The following is an entry in ClinVar:

NM_000550.3(TYRP1):c.278G>A (p.Arg93His)

Gene: TYRP1 (tyrosinase related protein 1; plus strand). Cytogenetic location: 9p23.
Variant type: single nucleotide variant.
Coding change: c.278G>A on transcript NM_000550.3 (MANE Select); coding-DNA position 278, G replaced by A.
Protein change: p.Arg93His; replaces arginine 93 with histidine.
Molecular consequence: missense variant.
Genome position (GRCh38, 1-based): chr9:12,694,274, G>A. VCF-style: chr9-12694274-G-A. GRCh37 (hg19) VCF-style: chr9-12694274-G-A.
Other names: short protein forms R93H.
Identifiers: ClinVar variation 195092 (VCV000195092.48), dbSNP rs61752937, ClinGen allele CA201556.

ClinVar aggregate classification (germline): Conflicting classifications of pathogenicity. Review status: criteria provided, conflicting classifications (1 of 4 stars). 6 submissions from 6 submitters: Uncertain significance (1); Benign (4); Likely benign (1). Last evaluated 2026-01-28.

Conditions:
Oculocutaneous albinism type 3 (OCA3). Also called: Albinism, oculocutaneous, type III; RUFOUS OCULOCUTANEOUS ALBINISM; XANTHISM; ALBINISM III; Rufous OCA; Rufous albinism. Identifiers: Orphanet 79433, MedGen C0342683, MONDO:0008747, OMIM 203290.

Allele frequency attached by ClinVar (database versions not stated): 1000 Genomes Project 30x 0.00187; 1000 Genomes Project 0.00200; TOPMed 0.00479; ESP Exome Variant Server 0.00577; gnomAD 0.01118.
gnomAD v4.1: 12,017 of 1,613,804 alleles (0.74%); highest among the groups gnomAD compares: Non-Finnish European, 0.89%; 77 homozygotes.

Submissions (6):

Labcorp Genetics (formerly Invitae), Labcorp
Classification: Benign. Last evaluated: 2026-01-28. Review status: criteria provided, single submitter. Criteria: Invitae Variant Classification Sherloc (09022015). Collection method: clinical testing. Allele origin: germline.

CeGaT Center for Human Genetics Tuebingen
Classification: Benign. Last evaluated: 2025-11-01. Review status: criteria provided, single submitter. Criteria: CeGaT Center For Human Genetics Tuebingen Variant Classification Criteria Version 2. Collection method: clinical testing. Allele origin: germline. Affected: yes. Observed: 8 variant alleles.
Comment: TYRP1: BS1, BS2

GeneDx
Classification: Benign. Last evaluated: 2021-02-17. Review status: criteria provided, single submitter. Criteria: GeneDx Variant Classification Process June 2021. Collection method: clinical testing. Allele origin: germline. Affected: yes.
Comment: This variant is associated with the following publications: (PMID: 27734839)

Illumina Laboratory Services, Illumina
Classification: Uncertain significance for Oculocutaneous albinism type 3. Last evaluated: 2018-01-12. Review status: criteria provided, single submitter. Criteria: ICSL Variant Classification Criteria 13 December 2019. Collection method: clinical testing. Allele origin: germline.

Genetic Services Laboratory, University of Chicago
Classification: Likely benign. Last evaluated: 2016-04-07. Review status: criteria provided, single submitter. Criteria: ACMG Guidelines, 2015. Collection method: clinical testing. Allele origin: germline. Affected: no.

Eurofins Ntd Llc (ga)
Classification: Benign. Last evaluated: 2014-11-07. Review status: criteria provided, single submitter. Criteria: EGL Classification Definitions 2015. Collection method: clinical testing. Allele origin: germline. Observed: 4 variant alleles, 4 heterozygotes.